The following is an entry in ClinVar:

NM_001943.5(DSG2):c.733A>T (p.Asn245Tyr)

Gene: DSG2 (desmoglein 2; plus strand). Cytogenetic location: 18q12.1.
Variant type: single nucleotide variant.
Coding change: c.733A>T on transcript NM_001943.5 (MANE Select); coding-DNA position 733, A replaced by T.
Protein change: p.Asn245Tyr; replaces asparagine 245 with tyrosine.
Molecular consequence: missense variant.
Genome position (GRCh38, 1-based): chr18:31,524,490, A>T. VCF-style: chr18-31524490-A-T. GRCh37 (hg19) VCF-style: chr18-29104453-A-T.
Other names: short protein forms N245Y.
Identifiers: ClinVar variation 4614014 (VCV004614014.1).

ClinVar aggregate classification (germline): Uncertain significance (1 of 4 stars; one submission).

Conditions:
Cardiovascular phenotype. Identifiers: MedGen CN230736.

Submission:

Ambry Genetics
Classification: Uncertain significance for Cardiovascular phenotype. Last evaluated: 2025-10-25. Review status: criteria provided, single submitter. Criteria: Ambry Variant Classification Scheme 2023. Collection method: clinical testing. Allele origin: germline.
Comment: The p.N245Y variant (also known as c.733A>T), located in coding exon 7 of the DSG2 gene, results from an A to T substitution at nucleotide position 733. The asparagine at codon 245 is replaced by tyrosine, an amino acid with dissimilar properties. This amino acid position is conserved. In addition, this alteration is predicted to be tolerated by in silico analysis. Based on the available evidence, the clinical significance of this variant remains unclear.